The following is an entry in ClinVar:

ClinVar aggregate classification (germline): Uncertain significance (1 of 4 stars; one submission).

Conditions:
Neuropathy, hereditary sensory, type 2C. Also called: KIF1A-Related HSAN2 (HSAN2C); Hereditary sensory and autonomic neuropathy type IIC. Identifiers: Orphanet 970, MedGen C3280168, MONDO:0013634, OMIM 614213.
Hereditary spastic paraplegia 30. Identifiers: Orphanet 101010, MedGen C5235139, MONDO:0012476.
Intellectual disability, autosomal dominant 9 (NESCAVS). Also called: KIF1A-Related Neurodevelopmental Disorder; NESCAV SYNDROME. Identifiers: Orphanet 662367, MedGen C5393830, MONDO:0013656, OMIM 614255.

Submission:

Labcorp Genetics (formerly Invitae), Labcorp
Classification: Uncertain significance for Hereditary spastic paraplegia 30; Neuropathy, hereditary sensory, type 2C; Intellectual disability, autosomal dominant 9. Last evaluated: 2025-08-10. Review status: criteria provided, single submitter. Criteria: Invitae Variant Classification Sherloc (09022015). Collection method: clinical testing. Allele origin: germline.
Comment: This sequence change replaces asparagine, which is neutral and polar, with aspartic acid, which is acidic and polar, at codon 1147 of the KIF1A protein (p.Asn1147Asp). This variant is not present in population databases (gnomAD no frequency). This variant has not been reported in the literature in individuals affected with KIF1A-related conditions. Invitae Evidence Modeling of protein sequence and biophysical properties (such as structural, functional, and spatial information, amino acid conservation, physicochemical variation, residue mobility, and thermodynamic stability) indicates that this missense variant is not expected to disrupt KIF1A protein function with a negative predictive value of 95%. In summary, the available evidence is currently insufficient to determine the role of this variant in disease. Therefore, it has been classified as a Variant of Uncertain Significance.

NM_001244008.2(KIF1A):c.3742A>G (p.Asn1248Asp)

Gene: KIF1A (kinesin family member 1A; minus strand). Cytogenetic location: 2q37.3.
Variant type: single nucleotide variant.
Coding change: c.3742A>G on transcript NM_001244008.2 (MANE Select); coding-DNA position 3742, A replaced by G.
Protein change: p.Asn1248Asp; replaces asparagine 1248 with aspartic acid.
Molecular consequence: missense variant.
Genome position (GRCh38, 1-based): chr2:240,741,276, T>C on the plus strand (A>G on the coding strand, the complement: KIF1A is on the minus strand). VCF-style: chr2-240741276-T-C. GRCh37 (hg19) VCF-style: chr2-241680693-T-C.
Other names: c.3466A>G, p.Asn1156Asp (NM_001320705.2, NM_001330289.2, NM_001379638.1); c.3541A>G, p.Asn1181Asp (NM_001330290.2, NM_001379634.1, NM_001379635.1 and 1 more transcripts); c.3817A>G, p.Asn1273Asp (NM_001379631.1); c.3691A>G, p.Asn1231Asp (NM_001379632.1); c.3715A>G, p.Asn1239Asp (NM_001379633.1, NM_001379642.1, NM_001379645.1); c.3439A>G, p.Asn1147Asp (NM_001379636.1, NM_001379639.1, NM_001379641.1 and 5 more transcripts); c.3514A>G, p.Asn1172Asp (NM_001379637.1, NM_001379648.1); c.3436A>G, p.Asn1146Asp (NM_001379640.1); short protein forms N1147D, N1156D, N1172D, N1181D, N1146D, N1248D, N1231D, N1239D.
Identifiers: ClinVar variation 4789370 (VCV004789370.1).